The following is an entry in ClinVar:

NM_004415.4(DSP):c.3604G>A (p.Glu1202Lys)

Gene: DSP (desmoplakin; plus strand). Cytogenetic location: 6p24.3.
Variant type: single nucleotide variant.
Coding change: c.3604G>A on transcript NM_004415.4 (MANE Select); coding-DNA position 3604, G replaced by A.
Protein change: p.Glu1202Lys; replaces glutamic acid 1202 with lysine.
Molecular consequence: missense variant. On other transcripts: intron variant (1).
Genome position (GRCh38, 1-based): chr6:7,579,794, G>A. VCF-style: chr6-7579794-G-A. GRCh37 (hg19) VCF-style: chr6-7580027-G-A.
Other names: c.3604G>A, p.Glu1202Lys (NM_001319034.2); c.3582+22G>A (NM_001008844.3); short protein forms E1202K.
Identifiers: ClinVar variation 4785222 (VCV004785222.1).
Genomic context (GRCh38, chr6:7,579,794, plus strand): 5'-GGCACCCGGAAGAGAGAATATGAAAATGAGCTGGCAAAGGTAAGAAACCACTATAATGAG[G>A]AGATGAGTAATTTAAGGAACAAGTATGAAACAGAGATTAACATTACGAAGACCACCATCA-3'
Protein context (NP_004406.2, residues 1192-1212): LAKVRNHYNE[Glu1202Lys]MSNLRNKYET

ClinVar aggregate classification (germline): Uncertain significance (1 of 4 stars; one submission).

Conditions:
Arrhythmogenic cardiomyopathy with wooly hair and keratoderma. Also called: Carvajal syndrome; PALMOPLANTAR KERATODERMA WITH LEFT VENTRICULAR CARDIOMYOPATHY AND WOOLLY HAIR; Dilated cardiomyopathy with woolly hair and keratoderma; Arrhythmogenic cardiomyopathy with woolly hair and keratoderma. Identifiers: Orphanet 65282, MedGen C1854063, MONDO:0011581, OMIM 605676.
Arrhythmogenic right ventricular dysplasia 8 (ARVD8). Also called: Arrhythmogenic Right Ventricular Dysplasia/Cardiomyopathy 8; ARRHYTHMOGENIC RIGHT VENTRICULAR DYSPLASIA, FAMILIAL, 8; ARRHYTHMOGENIC RIGHT VENTRICULAR CARDIOMYOPATHY 8. Identifiers: MedGen C1843896, MONDO:0011831, OMIM 607450.

Submission:

Labcorp Genetics (formerly Invitae), Labcorp
Classification: Uncertain significance for Arrhythmogenic cardiomyopathy with wooly hair and keratoderma; Arrhythmogenic right ventricular dysplasia 8. Last evaluated: 2025-07-09. Review status: criteria provided, single submitter. Criteria: Invitae Variant Classification Sherloc (09022015). Collection method: clinical testing. Allele origin: germline.
Comment: This sequence change replaces glutamic acid, which is acidic and polar, with lysine, which is basic and polar, at codon 1202 of the DSP protein (p.Glu1202Lys). This variant is not present in population databases (gnomAD no frequency). This variant has not been reported in the literature in individuals affected with DSP-related conditions. An algorithm developed to predict the effect of missense changes on protein structure and function (PolyPhen-2) suggests that this variant is likely to be disruptive. In summary, the available evidence is currently insufficient to determine the role of this variant in disease. Therefore, it has been classified as a Variant of Uncertain Significance.